The following is an entry in ClinVar:

ClinVar aggregate classification (germline): Uncertain significance. Review status: criteria provided, multiple submitters, no conflicts (2 of 4 stars). 2 submissions from 2 submitters: Uncertain significance (2). Last evaluated 2025-07-30.

Conditions:
Early Myoclonic Encephalopathy. Identifiers: MedGen C0270855.

Submissions (2):

GeneDx
Classification: Uncertain significance. Last evaluated: 2025-07-30. Review status: criteria provided, single submitter. Criteria: GeneDx Variant Classification Process June 2021. Collection method: clinical testing. Allele origin: germline. Affected: yes.
Comment: Not observed at significant frequency in large population cohorts (gnomAD); In silico analysis supports a deleterious effect on protein structure/function; Has not been previously published as pathogenic or benign to our knowledge

Labcorp Genetics (formerly Invitae), Labcorp
Classification: Uncertain significance for Early Myoclonic Encephalopathy. Last evaluated: 2023-10-16. Review status: criteria provided, single submitter. Criteria: Invitae Variant Classification Sherloc (09022015). Collection method: clinical testing. Allele origin: germline.
Comment: This sequence change replaces alanine, which is neutral and non-polar, with arginine, which is basic and polar, at codon 167 of the KCND2 protein (p.Ala167Arg). Information on the frequency of this variant in the gnomAD database is not available, as this variant may be reported differently in the database. This missense change has been observed in individual(s) with clinical features of developmental and epileptic encephalopathy (Invitae). An algorithm developed to predict the effect of missense changes on protein structure and function (PolyPhen-2) suggests that this variant is likely to be tolerated. In summary, the available evidence is currently insufficient to determine the role of this variant in disease. Therefore, it has been classified as a Variant of Uncertain Significance.

NM_012281.3(KCND2):c.499_500delinsAG (p.Ala167Arg)

Gene: KCND2 (potassium voltage-gated channel subfamily D member 2; plus strand). Cytogenetic location: 7q31.31.
Variant type: Indel.
Coding change: c.499_500delinsAG on transcript NM_012281.3 (MANE Select); coding-DNA positions 499 to 500, GC replaced by AG.
Protein change: p.Ala167Arg; replaces alanine 167 with arginine.
Molecular consequence: missense variant.
Genome position (GRCh38, 1-based): chr7:120,275,131-120,275,132, GC replaced by AG. VCF-style: chr7-120275131-GC-AG. GRCh37 (hg19) VCF-style: chr7-119915185-GC-AG.
Other names: c.499_500delinsAG (NM_012281.2); short protein forms A167R.
Identifiers: ClinVar variation 2768933 (VCV002768933.5), dbSNP rs2546907296, ClinGen allele CA2697557588.